The following is an entry in ClinVar:

NM_004218.4(RAB11B):c.357C>A (p.Ile119=)

Gene: RAB11B (RAB11B, member RAS oncogene family; plus strand). Cytogenetic location: 19p13.2.
Variant type: single nucleotide variant.
Coding change: c.357C>A on transcript NM_004218.4 (MANE Select); coding-DNA position 357, C replaced by A.
Protein change: p.Ile119=; no amino-acid change (isoleucine 119 retained).
Molecular consequence: synonymous variant.
Genome position (GRCh38, 1-based): chr19:8,402,206, C>A. VCF-style: chr19-8402206-C-A. GRCh37 (hg19) VCF-style: chr19-8467090-C-A.
Identifiers: ClinVar variation 768963 (VCV000768963.16), dbSNP rs34741553, ClinGen allele CA9156343.

ClinVar aggregate classification (germline): Benign/Likely benign. Review status: criteria provided, multiple submitters, no conflicts (2 of 4 stars). 5 submissions from 5 submitters: Benign (2); Likely benign (2). 1 of the submissions does not count toward it. Last evaluated 2026-01-28.

Conditions:
RAB11B-related disorder. Also called: RAB11B-related condition.
Neurodevelopmental disorder with ataxic gait, absent speech, and decreased cortical white matter. Identifiers: MedGen C4540498, MONDO:0060624, OMIM 617807.

Allele frequency attached by ClinVar (database versions not stated): gnomAD exomes 0.00041 and 0.00109; ExAC 0.00238; gnomAD 0.00423 and 0.00463; TOPMed 0.00466; 1000 Genomes Project 0.00519; 1000 Genomes Project 30x 0.00531; ESP Exome Variant Server 0.00539.
gnomAD v4.1: 1,262 of 1,585,074 alleles (0.08%); highest among the groups gnomAD compares: African/African-American, 1.5%; 4 homozygotes.

Submissions (5):

Labcorp Genetics (formerly Invitae), Labcorp
Classification: Benign. Last evaluated: 2026-01-28. Review status: criteria provided, single submitter. Criteria: Invitae Variant Classification Sherloc (09022015). Collection method: clinical testing. Allele origin: germline.

Blueprint Genetics
Classification: Likely benign. Last evaluated: 2024-11-01. Review status: criteria provided, single submitter. Criteria: ACMG Guidelines, 2015. Collection method: clinical testing. Allele origin: germline.

Fulgent Genetics
Classification: Likely benign for Neurodevelopmental disorder with ataxic gait, absent speech, and decreased cortical white matter. Last evaluated: 2022-05-17. Review status: criteria provided, single submitter. Criteria: ACMG Guidelines, 2015. Collection method: clinical testing. Allele origin: unknown.

Breakthrough Genomics
Classification: Benign. Review status: criteria provided, single submitter. Criteria: ACMG Guidelines, 2015. Collection method: not provided. Allele origin: germline. Inheritance: Autosomal dominant inheritance. Affected: yes.

PreventionGenetics, part of Exact Sciences
Classification: Benign for RAB11B-related condition. Last evaluated: 2020-11-10. Review status: no assertion criteria provided. Collection method: clinical testing. Allele origin: germline. Not counted in ClinVar's aggregate classification.
Comment: This variant is classified as benign based on ACMG/AMP sequence variant interpretation guidelines (Richards et al. 2015 PMID: 25741868, with internal and published modifications).